The following is an entry in ClinVar:

ClinVar aggregate classification (germline): Conflicting classifications of pathogenicity. Review status: criteria provided, conflicting classifications (1 of 4 stars). 2 submissions from 2 submitters: Pathogenic (1); Uncertain significance (1). Last evaluated 2025-03-03.

Conditions:
Nemaline myopathy. Also called: Myopathies, Nemaline. Identifiers: Orphanet 607, MedGen C0206157, MONDO:0018958.
Arthrogryposis multiplex congenita 6. Identifiers: MedGen C5543431, MONDO:0030281, OMIM 619334.

Allele frequency attached by ClinVar (database versions not stated): TOPMed below 0.00001; gnomAD 0.00001.

Submissions (2):

Broad Center for Mendelian Genomics, Broad Institute of MIT and Harvard
Classification: Uncertain significance for Nemaline myopathy. Last evaluated: 2025-03-03. Review status: criteria provided, single submitter. Criteria: ACMG Guidelines, 2015. Collection method: curation. Allele origin: germline. Inheritance: Autosomal recessive inheritance.
Comment: The p.Glu7637Ter variant in NEB has been reported in one individual with nemaline myopathy (PMID: 25205138), and has been identified in 0.00009% (1/1141976) of European (non-Finnish) chromosomes by the Genome Aggregation Database (gnomAD; dbSNP ID: rs1209865784). Although this variant has been seen in the general population in a heterozygous state, its frequency is low enough to be consistent with a recessive carrier frequency. This nonsense variant leads to a premature termination codon at position 7637, which is predicted to lead to a truncated or absent protein. Computational tools also predict a splicing impact, though this information is not predictive enough to determine pathogenicity. This variant is in an in-frame exon and may escape nonsense mediated decay (NMD) and result in a truncated protein. In-frame exon skipping of the NEB gene is an established disease mechanism in autosomal recessive nemaline myopathy. In summary, while there is some suspicion for a pathogenic role, the clinical significance of this variant is uncertain. ACMG/AMP Criteria applied: PVS1_strong, PM2_supporting (Richards 2015).

Baylor Genetics
Classification: Pathogenic for Arthrogryposis multiplex congenita 6. Last evaluated: 2023-12-20. Review status: criteria provided, single submitter. Criteria: ACMG Guidelines, 2015. Collection method: clinical testing. Allele origin: unknown.

NM_001164508.2(NEB):c.22909G>T (p.Glu7637Ter)

Genes: NEB (nebulin; minus strand), RIF1 (replication timing regulatory factor 1; plus strand). Cytogenetic location: 2q23.3.
Variant type: single nucleotide variant.
Coding change: c.22909G>T on transcript NM_001164508.2 (MANE Select); coding-DNA position 22909, G replaced by T.
Protein change: p.Glu7637Ter; replaces glutamic acid 7637 with a stop codon.
Molecular consequence: nonsense.
Genome position (GRCh38, 1-based): chr2:151,514,925, C>A on the plus strand (G>T on the coding strand, the complement: NEB is on the minus strand). VCF-style: chr2-151514925-C-A. GRCh37 (hg19) VCF-style: chr2-152371439-C-A.
Other names: NM_001164508.2:c.22909G>T; c.22909G>T, p.Glu7637Ter (NM_001164507.2); c.23014G>T, p.Glu7672Ter (NM_001271208.2); c.17806G>T, p.Glu5936Ter (NM_004543.5); short protein forms E5936*, E7637*, E7672*.
Identifiers: ClinVar variation 3239899 (VCV003239899.2), dbSNP rs1209865784.